The following is an entry in ClinVar:

NM_004608.4(TBX6):c.370del (p.Cys124fs)

Gene: TBX6 (T-box transcription factor 6; minus strand). Cytogenetic location: 16p11.2.
Variant type: Deletion.
Coding change: c.370del on transcript NM_004608.4 (MANE Select); coding-DNA position 370, one base deleted (T; older notation c.370delT).
Protein change: p.Cys124fs; shifts the reading frame from cysteine 124.
Molecular consequence: frameshift variant.
Genome position (GRCh38, 1-based): chr16:30,089,194, A deleted on the plus strand (T on the coding strand, the reverse complement: TBX6 is on the minus strand). VCF-style (leftmost placement, unchanged base first): chr16-30089193-CA-C. GRCh37 (hg19) VCF-style: chr16-30100514-CA-C.
Other names: short protein forms C124fs.
Identifiers: ClinVar variation 2633386 (VCV002633386.2), dbSNP rs2072686903, ClinGen allele CA976255319.
Genomic context (GRCh38, chr16:30,089,193, plus strand): 5'-ATCACATCCAGAAGAAACAAGTAGCGGGCCTCGGGGTCCAGGCCAGTGACTGACACTCGG[CA>C]GGCAGGGAACATGCGCCTGTGCAAGGGAGGGGACAGGAGAGGCCTGGAGCTACCCACTGG-3'

ClinVar aggregate classification (germline): Likely pathogenic. Review status: criteria provided, multiple submitters, no conflicts (2 of 4 stars). 2 submissions from 2 submitters: Likely pathogenic (2). Last evaluated 2024-10-04.

Conditions:
TBX6-related disorder. Also called: TBX6-related condition.

Allele frequency attached by ClinVar (database versions not stated): TOPMed below 0.00001; gnomAD 0.00001; gnomAD exomes below 0.00001.

Submissions (2):

GeneDx
Classification: Likely pathogenic. Last evaluated: 2024-10-04. Review status: criteria provided, single submitter. Criteria: GeneDx Variant Classification Process June 2021. Collection method: clinical testing. Allele origin: germline. Affected: yes.
Comment: Identified in the single heterozygous state by trio genomic sequencing in a fetus in the published literature; detailed features were not provided, and the variant was noted to not be de novo, though specific segregation information was not included (PMID: 37432431); Frameshift variant predicted to result in protein truncation or nonsense mediated decay in a gene for which loss of function is a known mechanism of disease; Not observed at significant frequency in large population cohorts (gnomAD); This variant is associated with the following publications: (PMID: 37432431)

PreventionGenetics, part of Exact Sciences
Classification: Likely pathogenic for TBX6-related condition. Last evaluated: 2023-04-08. Review status: criteria provided, single submitter. Criteria: ACMG Guidelines, 2015. Collection method: clinical testing. Allele origin: germline.
Comment: The TBX6 c.370delT variant is predicted to result in a frameshift and premature protein termination (p.Cys124Alafs*20). To our knowledge, this variant has not been reported in the literature or in a large population database, indicating this variant is rare. Frameshift variants in TBX6 are expected to be pathogenic. This variant is interpreted as likely pathogenic.